The following is an entry in ClinVar:

NM_021067.5(GINS1):c.188A>G (p.Lys63Arg)

Gene: GINS1 (GINS complex subunit 1; plus strand). Cytogenetic location: 20p11.21.
Variant type: single nucleotide variant.
Coding change: c.188A>G on transcript NM_021067.5 (MANE Select); coding-DNA position 188, A replaced by G.
Protein change: p.Lys63Arg; replaces lysine 63 with arginine.
Molecular consequence: missense variant. On other transcripts: non-coding transcript variant (1), intron variant (1).
Genome position (GRCh38, 1-based): chr20:25,417,151, A>G. VCF-style: chr20-25417151-A-G. GRCh37 (hg19) VCF-style: chr20-25397787-A-G.
Other names: c.188A>G, p.Lys63Arg (NM_001410830.1); c.76-8060A>G (NM_001410831.1); short protein forms K63R.
Identifiers: ClinVar variation 3680229 (VCV003680229.2).

ClinVar aggregate classification (germline): Uncertain significance (1 of 4 stars; one submission).

gnomAD v4.1: 6 of 1,599,864 alleles (0.00038%); highest among the groups gnomAD compares: Non-Finnish European, 0.00051%; no homozygotes.

Submission:

Labcorp Genetics (formerly Invitae), Labcorp
Classification: Uncertain significance. Last evaluated: 2024-03-01. Review status: criteria provided, single submitter. Criteria: Invitae Variant Classification Sherloc (09022015). Collection method: clinical testing. Allele origin: germline.
Comment: This sequence change replaces lysine, which is basic and polar, with arginine, which is basic and polar, at codon 63 of the GINS1 protein (p.Lys63Arg). This variant is present in population databases (rs760801869, gnomAD 0.002%). This variant has not been reported in the literature in individuals affected with GINS1-related conditions. Algorithms developed to predict the effect of missense changes on protein structure and function output the following: SIFT: "Not Available"; PolyPhen-2: "Benign"; Align-GVGD: "Not Available". The arginine amino acid residue is found in multiple mammalian species, which suggests that this missense change does not adversely affect protein function. In summary, the available evidence is currently insufficient to determine the role of this variant in disease. Therefore, it has been classified as a Variant of Uncertain Significance.